The following is an entry in ClinVar:

NM_000419.5(ITGA2B):c.2164A>G (p.Asn722Asp)

Gene: ITGA2B (integrin subunit alpha 2b; minus strand). Cytogenetic location: 17q21.31.
Variant type: single nucleotide variant.
Coding change: c.2164A>G on transcript NM_000419.5 (MANE Select); coding-DNA position 2164, A replaced by G.
Protein change: p.Asn722Asp; replaces asparagine 722 with aspartic acid.
Molecular consequence: missense variant.
Genome position (GRCh38, 1-based): chr17:44,377,721, T>C on the plus strand (A>G on the coding strand, the complement: ITGA2B is on the minus strand). VCF-style: chr17-44377721-T-C. GRCh37 (hg19) VCF-style: chr17-42455089-T-C.
Other names: short protein forms N722D.
Identifiers: ClinVar variation 4747517 (VCV004747517.1).

ClinVar aggregate classification (germline): Uncertain significance (1 of 4 stars; one submission).

Conditions:
Glanzmann thrombasthenia. Also called: BLEEDING DISORDER, PLATELET-TYPE, 2; THROMBASTHENIA OF GLANZMANN AND NAEGELI; PLATELET GLYCOPROTEIN IIb-IIIa DEFICIENCY; Glanzmann's thrombasthenia; Thrombasthenia. Identifiers: Orphanet 849, MedGen C0040015, MONDO:0100326.

Submission:

Labcorp Genetics (formerly Invitae), Labcorp
Classification: Uncertain significance for Glanzmann thrombasthenia. Last evaluated: 2025-05-14. Review status: criteria provided, single submitter. Criteria: Invitae Variant Classification Sherloc (09022015). Collection method: clinical testing. Allele origin: germline.
Comment: This sequence change replaces asparagine, which is neutral and polar, with aspartic acid, which is acidic and polar, at codon 722 of the ITGA2B protein (p.Asn722Asp). This variant is not present in population databases (gnomAD no frequency). This variant has not been reported in the literature in individuals affected with ITGA2B-related conditions. Invitae Evidence Modeling of protein sequence and biophysical properties (such as structural, functional, and spatial information, amino acid conservation, physicochemical variation, residue mobility, and thermodynamic stability) indicates that this missense variant is expected to disrupt ITGA2B protein function with a positive predictive value of 95%. In summary, the available evidence is currently insufficient to determine the role of this variant in disease. Therefore, it has been classified as a Variant of Uncertain Significance.